The following is an entry in ClinVar:

NM_000492.4(CFTR):c.2988+2del

Genes: CFTR (CF transmembrane conductance regulator; plus strand), CFTR-AS2 (CFTR antisense RNA 2; minus strand). Cytogenetic location: 7q31.2.
Variant type: Deletion.
Coding change: c.2988+2del on transcript NM_000492.4 (MANE Select); the canonical splice donor site of the intron after coding-DNA position 2988, one base deleted (T; older notation c.2988+2delT).
Molecular consequence: splice donor variant.
Genome position (GRCh38, 1-based): chr7:117,606,755, T deleted. VCF-style (leftmost placement, unchanged base first): chr7-117606754-GT-G. GRCh37 (hg19) VCF-style: chr7-117246808-GT-G.
Other names: c.2988+2delT (NM_000492.4).
Identifiers: ClinVar variation 3366607 (VCV003366607.1).

ClinVar aggregate classification (germline): Likely pathogenic (1 of 4 stars; one submission).

Conditions:
Cystic fibrosis (CF). Also called: MUCOVISCIDOSIS. Identifiers: Orphanet 586, MedGen C0010674, MONDO:0009061, OMIM 219700. Disease mechanism: loss of function.

Submission:

Women's Health and Genetics/Laboratory Corporation of America, LabCorp
Classification: Likely pathogenic for Cystic fibrosis. Last evaluated: 2024-08-26. Review status: criteria provided, single submitter. Criteria: LabCorp Variant Classification Summary - May 2015. Collection method: clinical testing. Allele origin: germline.
Comment: Variant summary: CFTR c.2988+2delT is located in a canonical splice-site and is predicted to affect mRNA splicing resulting in a significantly altered protein due to either exon skipping, shortening, or inclusion of intronic material. Variants that disrupt the consensus splice site are a relatively common cause of aberrant splicing and loss of CFTR function. Several computational tools predict a significant impact on normal splicing: Three predict the variant abolishes a 5' splicing donor site. However, these predictions have yet to be confirmed by functional studies. The variant was absent in 251006 control chromosomes. To our knowledge, no occurrence of c.2988+2delT in individuals affected with Cystic Fibrosis and no experimental evidence demonstrating its impact on protein function have been reported. No submitters have cited clinical-significance assessments for this variant to ClinVar. Based on the evidence outlined above, the variant was classified as likely pathogenic.